The following is an entry in ClinVar:

NM_000426.4(LAMA2):c.4860+5G>A

Gene: LAMA2 (laminin subunit alpha 2; plus strand). Cytogenetic location: 6q22.33.
Variant type: single nucleotide variant.
Coding change: c.4860+5G>A on transcript NM_000426.4 (MANE Select); 5 bases into the intron after coding-DNA position 4860, G replaced by A.
Molecular consequence: intron variant.
Genome position (GRCh38, 1-based): chr6:129,366,366, G>A. VCF-style: chr6-129366366-G-A. GRCh37 (hg19) VCF-style: chr6-129687511-G-A.
Other names: c.4860+5G>A (NM_001079823.2).
Identifiers: ClinVar variation 4819104 (VCV004819104.1).

ClinVar aggregate classification (germline): Uncertain significance (1 of 4 stars; one submission).

Conditions:
Muscular dystrophy, limb-girdle, autosomal recessive 23. Identifiers: Orphanet 565837, MedGen C4748327, MONDO:0029136, OMIM 618138.

Submission:

Institute of Human Genetics, University of Leipzig Medical Center
Classification: Uncertain significance for Muscular dystrophy, limb-girdle, autosomal recessive 23. Last evaluated: 2026-03-02. Review status: criteria provided, single submitter. Criteria: ACMG Guidelines, 2015. Collection method: clinical testing. Allele origin: unknown. Inheritance: Autosomal recessive inheritance. Affected: yes.
Comment: Criteria applied: PM2,PP3